The following is an entry in ClinVar:

NM_170665.4(ATP2A2):c.378G>C (p.Met126Ile)

Gene: ATP2A2 (ATPase sarcoplasmic/endoplasmic reticulum Ca2+ transporting 2; plus strand). Cytogenetic location: 12q24.11.
Variant type: single nucleotide variant.
Coding change: c.378G>C on transcript NM_170665.4 (MANE Select); coding-DNA position 378, G replaced by C.
Protein change: p.Met126Ile; replaces methionine 126 with isoleucine.
Molecular consequence: missense variant.
Genome position (GRCh38, 1-based): chr12:110,296,652, G>C. VCF-style: chr12-110296652-G-C. GRCh37 (hg19) VCF-style: chr12-110734457-G-C.
Other names: c.273G>C, p.Met91Ile (NM_001413013.1); c.378G>C, p.Met126Ile (NM_001413014.1, NM_001681.4); c.3G>C, p.Met1Ile (NM_001413015.1); short protein forms M91I, M126I, M1I.
Identifiers: ClinVar variation 2228232 (VCV002228232.2), dbSNP rs759721670, ClinGen allele CA6783679.

ClinVar aggregate classification (germline): Uncertain significance (1 of 4 stars; one submission).

Conditions:
Inborn genetic diseases. Identifiers: MedGen C0950123, MeSH D030342.

Allele frequency attached by ClinVar (database versions not stated): ExAC 0.00001; gnomAD exomes 0.00001; TOPMed 0.00002.

Submission:

Ambry Genetics
Classification: Uncertain significance for Inborn genetic diseases. Last evaluated: 2020-12-08. Review status: criteria provided, single submitter. Criteria: Ambry Variant Classification Scheme 2023. Collection method: clinical testing. Allele origin: germline.
Comment: The c.378G>C (p.M126I) alteration is located in exon 5 (coding exon 5) of the ATP2A2 gene. This alteration results from a G to C substitution at nucleotide position 378, causing the methionine (M) at amino acid position 126 to be replaced by an isoleucine (I). The in silico prediction for the p.M126I alteration is inconclusive. Based on insufficient or conflicting evidence, the clinical significance of this alteration remains unclear.